The following is an entry in ClinVar:

NM_024915.4(GRHL2):c.1783G>A (p.Asp595Asn)

Gene: GRHL2 (grainyhead like transcription factor 2; plus strand). Cytogenetic location: 8q22.3.
Variant type: single nucleotide variant.
Coding change: c.1783G>A on transcript NM_024915.4 (MANE Select); coding-DNA position 1783, G replaced by A.
Protein change: p.Asp595Asn; replaces aspartic acid 595 with asparagine.
Molecular consequence: missense variant.
Genome position (GRCh38, 1-based): chr8:101,666,608, G>A. VCF-style: chr8-101666608-G-A. GRCh37 (hg19) VCF-style: chr8-102678836-G-A.
Other names: c.1735G>A, p.Asp579Asn (NM_001330593.2); short protein forms D579N, D595N.
Identifiers: ClinVar variation 1305142 (VCV001305142.2), dbSNP rs769149147, ClinGen allele CA4830729.

ClinVar aggregate classification (germline): Uncertain significance (1 of 4 stars; one submission).

Allele frequency attached by ClinVar (database versions not stated): gnomAD exomes below 0.00001; ExAC 0.00001; gnomAD 0.00001; TOPMed 0.00002.
gnomAD v4.1: 6 of 1,610,934 alleles (0.00037%); highest among the groups gnomAD compares: African/African-American, 0.008%; no homozygotes.

Submission:

GeneDx
Classification: Uncertain significance. Last evaluated: 2019-02-05. Review status: criteria provided, single submitter. Criteria: GeneDx Variant Classification Process June 2021. Collection method: clinical testing. Allele origin: germline. Affected: yes.
Comment: In silico analysis, which includes protein predictors and evolutionary conservation, supports a deleterious effect; Has not been previously published as pathogenic or benign to our knowledge